The following is an entry in ClinVar:

NM_181078.3(IL21R):c.734T>C (p.Val245Ala)

Gene: IL21R (interleukin 21 receptor; plus strand). Cytogenetic location: 16p12.1.
Variant type: single nucleotide variant.
Coding change: c.734T>C on transcript NM_181078.3 (MANE Select); coding-DNA position 734, T replaced by C.
Protein change: p.Val245Ala; replaces valine 245 with alanine.
Molecular consequence: missense variant.
Genome position (GRCh38, 1-based): chr16:27,445,225, T>C. VCF-style: chr16-27445225-T-C. GRCh37 (hg19) VCF-style: chr16-27456546-T-C.
Other names: c.734T>C, p.Val245Ala (NM_021798.4); c.800T>C, p.Val267Ala (NM_181079.5); short protein forms V245A, V267A.
Identifiers: ClinVar variation 1427247 (VCV001427247.6), dbSNP rs138134818, ClinGen allele CA7975043.
Genomic context (GRCh38, chr16:27,445,225, plus strand): 5'-CTTCCTTCCCAGAGTTAAAGGAAGGCTGGAACCCTCACCTGCTGCTTCTCCTCCTGCTTG[T>C]CATAGTCTTCATTCCTGCCTTCTGGAGCCTGAAGACCCATCCATTGTGGAGGTGAGGCCA-3'
Protein context (NP_851564.1, residues 235-255): NPHLLLLLLL[Val245Ala]IVFIPAFWSL

ClinVar aggregate classification (germline): Uncertain significance (1 of 4 stars; one submission).

Conditions:
Cryptosporidiosis-chronic cholangitis-liver disease syndrome. Also called: IL21R immunodeficiency; Immunodeficiency type 56. Identifiers: Orphanet 357329, MedGen C3554687, MONDO:0014082, OMIM 615207.

Allele frequency attached by ClinVar (database versions not stated): gnomAD 0.00001 and 0.00003; gnomAD exomes 0.00001 and 0.00008; TOPMed 0.00001; ExAC 0.00002; 1000 Genomes Project 30x 0.00031; 1000 Genomes Project 0.00040.
gnomAD v4.1: 121 of 1,614,088 alleles (0.0075%); highest among the groups gnomAD compares: East Asian, 0.27%; no homozygotes.

Submission:

Labcorp Genetics (formerly Invitae), Labcorp
Classification: Uncertain significance for Cryptosporidiosis-chronic cholangitis-liver disease syndrome. Last evaluated: 2021-10-11. Review status: criteria provided, single submitter. Criteria: Invitae Variant Classification Sherloc (09022015). Collection method: clinical testing. Allele origin: germline.
Comment: Algorithms developed to predict the effect of missense changes on protein structure and function are either unavailable or do not agree on the potential impact of this missense change (SIFT: "Deleterious"; PolyPhen-2: "Benign"; Align-GVGD: "Class C25"). In summary, the available evidence is currently insufficient to determine the role of this variant in disease. Therefore, it has been classified as a Variant of Uncertain Significance. This variant has not been reported in the literature in individuals affected with IL21R-related conditions. This sequence change replaces valine with alanine at codon 245 of the IL21R protein (p.Val245Ala). The valine residue is moderately conserved and there is a small physicochemical difference between valine and alanine. This variant is present in population databases (rs138134818, ExAC 0.02%).